The following is an entry in ClinVar:

NM_003072.5(SMARCA4):c.1335G>C (p.Gln445His)

Gene: SMARCA4 (SWI/SNF related BAF chromatin remodeling complex subunit ATPase 4; plus strand). Cytogenetic location: 19p13.2.
Variant type: single nucleotide variant.
Coding change: c.1335G>C on transcript NM_003072.5 (MANE Select); coding-DNA position 1335, G replaced by C.
Protein change: p.Gln445His; replaces glutamine 445 with histidine.
Molecular consequence: missense variant. On other transcripts: non-coding transcript variant (1).
Genome position (GRCh38, 1-based): chr19:10,991,239, G>C. VCF-style: chr19-10991239-G-C. GRCh37 (hg19) VCF-style: chr19-11101915-G-C.
Other names: c.1335G>C (NM_001128849.1); c.1335G>C, p.Gln445His (NM_001128844.3, NM_001128845.2, NM_001128846.2 and 5 more transcripts); short protein forms Q445H.
Identifiers: ClinVar variation 1055704 (VCV001055704.10), dbSNP rs1461859748, ClinGen allele CA404060813.
Genomic context (GRCh38, chr19:10,991,239, plus strand): 5'-GAGGGACACAGCGCTGGAGACAGCCCTCAATGCTAAGGCCTACAAGCGCAGCAAGCGCCA[G>C]TCCCTGCGCGAGGCCCGCATCACTGAGAAGCTGGAGAAGCAGCAGAAGATCGAGCAGGAG-3'
Protein context (NP_003063.2, residues 435-455): NAKAYKRSKR[Gln445His]SLREARITEK

ClinVar aggregate classification (germline): Uncertain significance. Review status: criteria provided, multiple submitters, no conflicts (2 of 4 stars). 2 submissions from 2 submitters: Uncertain significance (2). Last evaluated 2025-03-27.

Conditions:
Rhabdoid tumor predisposition syndrome 2 (RTPS2). Identifiers: Orphanet 231108, Orphanet 69077, MedGen C2750074, MONDO:0013224, OMIM 613325.
Hereditary cancer-predisposing syndrome. Also called: Hereditary Cancer Syndrome; Tumor predisposition; Hereditary neoplastic syndrome; Neoplastic Syndromes, Hereditary. Identifiers: Orphanet 140162, MedGen C0027672, MeSH D009386, MONDO:0015356.

Allele frequency attached by ClinVar (database versions not stated): gnomAD exomes below 0.00001.
gnomAD v4.1: 1 of 1,613,538 alleles (0.000062%); highest among the groups gnomAD compares: Non-Finnish European, 0.000085%; no homozygotes.

Submissions (2):

Ambry Genetics
Classification: Uncertain significance for Hereditary cancer-predisposing syndrome. Last evaluated: 2025-03-27. Review status: criteria provided, single submitter. Criteria: Ambry Variant Classification Scheme 2023. Collection method: clinical testing. Allele origin: germline.
Comment: The p.Q445H variant (also known as c.1335G>C), located in coding exon 7 of the SMARCA4 gene, results from a G to C substitution at nucleotide position 1335. The glutamine at codon 445 is replaced by histidine, an amino acid with highly similar properties. This amino acid position is highly conserved in available vertebrate species. In addition, the in silico prediction for this alteration is inconclusive. Based on the available evidence, the clinical significance of this variant remains unclear.

Labcorp Genetics (formerly Invitae), Labcorp
Classification: Uncertain significance for Rhabdoid tumor predisposition syndrome 2. Last evaluated: 2021-03-12. Review status: criteria provided, single submitter. Criteria: Invitae Variant Classification Sherloc (09022015). Collection method: clinical testing. Allele origin: germline.
Comment: In summary, the available evidence is currently insufficient to determine the role of this variant in disease. Therefore, it has been classified as a Variant of Uncertain Significance. Algorithms developed to predict the effect of missense changes on protein structure and function are either unavailable or do not agree on the potential impact of this missense change (SIFT: "Deleterious"; PolyPhen-2: "Possibly Damaging"; Align-GVGD: "Class C0"). This variant has not been reported in the literature in individuals with SMARCA4-related conditions. This variant is not present in population databases (ExAC no frequency). This sequence change replaces glutamine with histidine at codon 445 of the SMARCA4 protein (p.Gln445His). The glutamine residue is highly conserved and there is a small physicochemical difference between glutamine and histidine.